The following is an entry in ClinVar:

NM_000466.3(PEX1):c.1076del (p.Lys359fs)

Gene: PEX1 (peroxisomal biogenesis factor 1; minus strand). Cytogenetic location: 7q21.2.
Variant type: Deletion.
Coding change: c.1076del on transcript NM_000466.3 (MANE Select); coding-DNA position 1076, one base deleted (A; older notation c.1076delA).
Protein change: p.Lys359fs; shifts the reading frame from lysine 359.
Molecular consequence: frameshift variant.
Genome position (GRCh38, 1-based): chr7:92,517,439, T deleted on the plus strand (A on the coding strand, the reverse complement: PEX1 is on the minus strand); the first of 2 consecutive T bases (chr7:92,517,439-92,517,440); deleting either gives the same sequence. VCF-style (leftmost placement, unchanged base first): chr7-92517438-CT-C. GRCh37 (hg19) VCF-style: chr7-92146752-CT-C.
Other names: c.1076delA (NM_000466.2); c.1076del, p.Lys359fs (NM_001282677.2); c.452del, p.Lys151fs (NM_001282678.2); short protein forms K359fs, K151fs.
Identifiers: ClinVar variation 371694 (VCV000371694.12), dbSNP rs1057517465, ClinGen allele CA16041168.
Genomic context (GRCh38, chr7:92,517,438, plus strand): 5'-CTCATCTTCTTCATTATGATCTGACCTAATTTTTTTTTGATCTAGTGGCTCTGACATCTG[CT>C]TCTCTTTTTCAGGTGATAACACATTTTGTTTTGTTTTACTTTGCTGTTGCTTTGGAGAAA-3'

ClinVar aggregate classification (germline): Pathogenic/Likely pathogenic. Review status: criteria provided, multiple submitters, no conflicts (2 of 4 stars). 4 submissions from 3 submitters: Pathogenic (1); Likely pathogenic (1). 2 of the submissions do not count toward it. Last evaluated 2024-05-13.

Conditions:
Peroxisome biogenesis disorder 1A (Zellweger) (PBD1A). Also called: Zellweger leukodystrophy; Peroxisome biogenesis disorder 1a. Identifiers: MedGen C4721541, MONDO:0008953, OMIM 214100.
Heimler syndrome 1 (HMLR1). Also called: PEROXISOME BIOGENESIS DISORDER 1C. Identifiers: Orphanet 3220, MedGen C4551980, OMIM 234580, MONDO:0024544.
Peroxisome biogenesis disorder 1B (PBD1B). Also called: Refsum disease, infantile form; Infantile Refsum disease; Infantile form of phytanic acid storage disease; PEROXISOME BIOGENESIS DISORDER (NEONATAL ADRENOLEUKODYSTROPHY/INFANTILE REFSUM DISEASE); INFANTILE PHYTANIC ACID STORAGE DISEASE; PEROXISOME BIOGENESIS DISORDER (NALD/IRD). Identifiers: Orphanet 44, MedGen C0282527, MONDO:0011101, OMIM 601539.
Zellweger spectrum disorders (ZS). Also called: Zellweger Spectrum Disorder (ZSD); Zellweger Spectrum Disorder; Zellweger Spectrum; Zellweger syndrome. Identifiers: Orphanet 912, MedGen C0043459, MONDO:0019609.

Submissions (4):

Fulgent Genetics
Classification: Likely pathogenic for Peroxisome biogenesis disorder 1A (Zellweger); Heimler syndrome 1; Peroxisome biogenesis disorder 1B. Last evaluated: 2024-05-13. Review status: criteria provided, single submitter. Criteria: ACMG Guidelines, 2015. Collection method: clinical testing. Allele origin: germline.

Labcorp Genetics (formerly Invitae), Labcorp
Classification: Pathogenic for Zellweger spectrum disorders. Last evaluated: 2021-12-18. Review status: criteria provided, single submitter. Criteria: Invitae Variant Classification Sherloc (09022015). Collection method: clinical testing. Allele origin: germline.
Comment: For these reasons, this variant has been classified as Pathogenic. ClinVar contains an entry for this variant (Variation ID: 371694). This variant has not been reported in the literature in individuals affected with PEX1-related conditions. This variant is not present in population databases (gnomAD no frequency). This sequence change creates a premature translational stop signal (p.Lys359Serfs*7) in the PEX1 gene. It is expected to result in an absent or disrupted protein product. Loss-of-function variants in PEX1 are known to be pathogenic (PMID: 9398847, 16086329, 16141001, 21031596, 26387595, 31831025).

Counsyl
Classification: Likely pathogenic for Peroxisome biogenesis disorder 1A (Zellweger). Last evaluated: 2015-12-15. Review status: no assertion criteria provided. Collection method: clinical testing. Allele origin: unknown. Not counted in ClinVar's aggregate classification.

Counsyl
Classification: Likely pathogenic for Peroxisome biogenesis disorder 1B. Last evaluated: 2015-12-15. Review status: no assertion criteria provided. Collection method: clinical testing. Allele origin: unknown. Not counted in ClinVar's aggregate classification.

Literature cited by the submitters: PubMed 9398847 (cited by Labcorp Genetics (formerly Invitae), Labcorp); PubMed 16086329 (cited by Labcorp Genetics (formerly Invitae), Labcorp); PubMed 16141001 (cited by Labcorp Genetics (formerly Invitae), Labcorp); PubMed 21031596 (cited by Labcorp Genetics (formerly Invitae), Labcorp); PubMed 26387595 (cited by Labcorp Genetics (formerly Invitae), Labcorp); PubMed 31831025 (cited by Labcorp Genetics (formerly Invitae), Labcorp).